The following is an entry in ClinVar:

ClinVar aggregate classification (germline): Uncertain significance. Review status: criteria provided, multiple submitters, no conflicts (2 of 4 stars). 2 submissions from 2 submitters: Uncertain significance (2). Last evaluated 2025-01-13.

Allele frequency attached by ClinVar (database versions not stated): gnomAD exomes below 0.00001; TOPMed below 0.00001; ExAC 0.00001.

Submissions (2):

Ambry Genetics
Classification: Uncertain significance. Last evaluated: 2025-01-13. Review status: criteria provided, single submitter. Criteria: Ambry Variant Classification Scheme 2023. Collection method: clinical testing. Allele origin: germline.
Comment: The p.P495L variant (also known as c.1484C>T), located in coding exon 13 of the GEN1 gene, results from a C to T substitution at nucleotide position 1484. The proline at codon 495 is replaced by leucine, an amino acid with similar properties. This amino acid position is conserved. In addition, this alteration is predicted to be tolerated by in silico analysis. Based on the available evidence, the clinical significance of this variant remains unclear.

Labcorp Genetics (formerly Invitae), Labcorp
Classification: Uncertain significance. Last evaluated: 2024-01-19. Review status: criteria provided, single submitter. Criteria: Invitae Variant Classification Sherloc (09022015). Collection method: clinical testing. Allele origin: germline.
Comment: This sequence change replaces proline, which is neutral and non-polar, with leucine, which is neutral and non-polar, at codon 495 of the GEN1 protein (p.Pro495Leu). This variant is present in population databases (rs764932959, gnomAD 0.007%). This variant has not been reported in the literature in individuals affected with GEN1-related conditions. Algorithms developed to predict the effect of missense changes on protein structure and function output the following: SIFT: "Not Available"; PolyPhen-2: "Benign"; Align-GVGD: "Not Available". The leucine amino acid residue is found in multiple mammalian species, which suggests that this missense change does not adversely affect protein function. In summary, the available evidence is currently insufficient to determine the role of this variant in disease. Therefore, it has been classified as a Variant of Uncertain Significance.

NM_001130009.3(GEN1):c.1484C>T (p.Pro495Leu)

Gene: GEN1 (GEN1 structure-specific endonuclease; plus strand). Cytogenetic location: 2p24.2.
Variant type: single nucleotide variant.
Coding change: c.1484C>T on transcript NM_001130009.3 (MANE Select); coding-DNA position 1484, C replaced by T.
Protein change: p.Pro495Leu; replaces proline 495 with leucine.
Molecular consequence: missense variant.
Genome position (GRCh38, 1-based): chr2:17,780,696, C>T. VCF-style: chr2-17780696-C-T. GRCh37 (hg19) VCF-style: chr2-17961963-C-T.
Other names: c.1484C>T, p.Pro495Leu (NM_182625.5); c.1484C>T (NM_001130009.1); short protein forms P495L.
Identifiers: ClinVar variation 2988424 (VCV002988424.4), dbSNP rs764932959, ClinGen allele CA1540776.